The following is an entry in ClinVar:

NM_005751.5(AKAP9):c.7096A>G (p.Ile2366Val)

Gene: AKAP9 (A-kinase anchoring protein 9; plus strand). Cytogenetic location: 7q21.2.
Variant type: single nucleotide variant.
Coding change: c.7096A>G on transcript NM_005751.5 (MANE Select); coding-DNA position 7096, A replaced by G.
Protein change: p.Ile2366Val; replaces isoleucine 2366 with valine.
Molecular consequence: missense variant.
Genome position (GRCh38, 1-based): chr7:92,079,229, A>G. VCF-style: chr7-92079229-A-G. GRCh37 (hg19) VCF-style: chr7-91708543-A-G.
Other names: c.1741A>G, p.Ile581Val (NM_001379277.1); c.7072A>G, p.Ile2358Val (NM_147185.3); short protein forms I2366V, I2358V, I581V.
Identifiers: ClinVar variation 568128 (VCV000568128.15), dbSNP rs368823780, ClinGen allele CA4337228.

ClinVar aggregate classification (germline): Uncertain significance. Review status: criteria provided, multiple submitters, no conflicts (2 of 4 stars). 3 submissions from 3 submitters: Uncertain significance (3). Last evaluated 2024-04-16.

Conditions:
Cardiovascular phenotype. Identifiers: MedGen CN230736.
Long QT syndrome 11 (LQT11). Identifiers: Orphanet 101016, Orphanet 768, MedGen C2678483, MONDO:0012738, OMIM 611820.
Long QT syndrome (LQTS). Identifiers: MedGen C0023976, MeSH D008133, MONDO:0002442. Disease mechanism: loss of function. Inheritance: Various modes of inheritance.

Allele frequency attached by ClinVar (database versions not stated): gnomAD 0.00002; gnomAD exomes 0.00002 and 0.00004; ExAC 0.00003; TOPMed 0.00003; ESP Exome Variant Server 0.00008.
gnomAD v4.1: 55 of 1,613,992 alleles (0.0034%); highest among the groups gnomAD compares: Non-Finnish European, 0.0045%; no homozygotes.

Submissions (3):

Fulgent Genetics
Classification: Uncertain significance for Long QT syndrome 11. Last evaluated: 2024-04-16. Review status: criteria provided, single submitter. Criteria: ACMG Guidelines, 2015. Collection method: clinical testing. Allele origin: germline.

Ambry Genetics
Classification: Uncertain significance for Cardiovascular phenotype. Last evaluated: 2024-04-12. Review status: criteria provided, single submitter. Criteria: Ambry Variant Classification Scheme 2023. Collection method: clinical testing. Allele origin: germline.
Comment: The p.I2366V variant (also known as c.7096A>G), located in coding exon 31 of the AKAP9 gene, results from an A to G substitution at nucleotide position 7096. The isoleucine at codon 2366 is replaced by valine, an amino acid with highly similar properties. This amino acid position is well conserved in available vertebrate species. In addition, this alteration is predicted to be tolerated by in silico analysis. Since supporting evidence is limited at this time, the clinical significance of this alteration remains unclear.

Labcorp Genetics (formerly Invitae), Labcorp
Classification: Uncertain significance for Long QT syndrome. Last evaluated: 2022-11-05. Review status: criteria provided, single submitter. Criteria: Invitae Variant Classification Sherloc (09022015). Collection method: clinical testing. Allele origin: germline.
Comment: This sequence change replaces isoleucine, which is neutral and non-polar, with valine, which is neutral and non-polar, at codon 2366 of the AKAP9 protein (p.Ile2366Val). This variant is present in population databases (rs368823780, gnomAD 0.006%). This missense change has been observed in individual(s) with sudden cardiac death (PMID: 33789662). ClinVar contains an entry for this variant (Variation ID: 568128). Algorithms developed to predict the effect of missense changes on protein structure and function are either unavailable or do not agree on the potential impact of this missense change (SIFT: "Tolerated"; PolyPhen-2: "Possibly Damaging"; Align-GVGD: "Class C0"). In summary, the available evidence is currently insufficient to determine the role of this variant in disease. Therefore, it has been classified as a Variant of Uncertain Significance.

Literature cited by the submitters: PubMed 33789662 (cited by Labcorp Genetics (formerly Invitae), Labcorp).